The following is an entry in ClinVar:

ClinVar aggregate classification (germline): Uncertain significance. Review status: criteria provided, multiple submitters, no conflicts (2 of 4 stars). 2 submissions from 2 submitters: Uncertain significance (2). Last evaluated 2025-04-04.

Conditions:
Hereditary cancer-predisposing syndrome. Also called: Neoplastic Syndromes, Hereditary; Tumor predisposition; Hereditary Cancer Syndrome; Hereditary neoplastic syndrome. Identifiers: Orphanet 140162, MedGen C0027672, MeSH D009386, MONDO:0015356.
Tumor predisposition syndrome 3 (TPDS3). Also called: Glioma susceptibility 9; LONG TELOMERE SYNDROME, POT1-RELATED; POT1 Tumor Predisposition; Melanoma, cutaneous malignant, susceptibility to, 10. Identifiers: Orphanet 618, MedGen C4014476, MONDO:0014368, OMIM 615848.

Allele frequency attached by ClinVar (database versions not stated): gnomAD 0.00002; TOPMed 0.00005.
gnomAD v4.1: 3 of 1,607,436 alleles (0.00019%); no homozygotes.

Submissions (2):

Ambry Genetics
Classification: Uncertain significance for Hereditary cancer-predisposing syndrome. Last evaluated: 2025-04-04. Review status: criteria provided, single submitter. Criteria: Ambry Variant Classification Scheme 2023. Collection method: clinical testing. Allele origin: germline.
Comment: The p.I607T variant (also known as c.1820T>C), located in coding exon 15 of the POT1 gene, results from a T to C substitution at nucleotide position 1820. The isoleucine at codon 607 is replaced by threonine, an amino acid with similar properties. This amino acid position is conserved. In addition, the in silico prediction for this alteration is inconclusive. Based on the available evidence, the clinical significance of this variant remains unclear.

Labcorp Genetics (formerly Invitae), Labcorp
Classification: Uncertain significance for Tumor predisposition syndrome 3. Last evaluated: 2025-01-31. Review status: criteria provided, single submitter. Criteria: Invitae Variant Classification Sherloc (09022015). Collection method: clinical testing. Allele origin: germline.
Comment: This sequence change replaces isoleucine, which is neutral and non-polar, with threonine, which is neutral and polar, at codon 607 of the POT1 protein (p.Ile607Thr). This variant is not present in population databases (gnomAD no frequency). This variant has not been reported in the literature in individuals affected with POT1-related conditions. ClinVar contains an entry for this variant (Variation ID: 941979). Invitae Evidence Modeling of protein sequence and biophysical properties (such as structural, functional, and spatial information, amino acid conservation, physicochemical variation, residue mobility, and thermodynamic stability) indicates that this missense variant is not expected to disrupt POT1 protein function with a negative predictive value of 80%. In summary, the available evidence is currently insufficient to determine the role of this variant in disease. Therefore, it has been classified as a Variant of Uncertain Significance.

NM_015450.3(POT1):c.1820T>C (p.Ile607Thr)

Gene: POT1 (protection of telomeres 1; minus strand). Cytogenetic location: 7q31.33.
Variant type: single nucleotide variant.
Coding change: c.1820T>C on transcript NM_015450.3 (MANE Select); coding-DNA position 1820, T replaced by C.
Protein change: p.Ile607Thr; replaces isoleucine 607 with threonine.
Molecular consequence: missense variant. On other transcripts: non-coding transcript variant (3).
Genome position (GRCh38, 1-based): chr7:124,824,047, A>G on the plus strand (T>C on the coding strand, the complement: POT1 is on the minus strand). VCF-style: chr7-124824047-A-G. GRCh37 (hg19) VCF-style: chr7-124464101-A-G.
Other names: c.1427T>C, p.Ile476Thr (NM_001042594.2); short protein forms I476T, I607T.
Identifiers: ClinVar variation 941979 (VCV000941979.11), dbSNP rs940749964, ClinGen allele CA166092017.
Genomic context (GRCh38, chr7:124,824,047, plus strand): 5'-GTGTCAAAAATCTGATAGCAAATTTGATTATCTGTTCCATTTGTGACATTGTATGACTTG[A>G]TGAAGCATTCCAACCACGGATATGCATCTACAAAAACAAAAACAAAAAAAGCGATTTAAC-3'
Protein context (NP_056265.2, residues 597-617): IDAYPWLECF[Ile607Thr]KSYNVTNGTD